The following is an entry in ClinVar:

NM_001330700.2(TOP2B):c.2223T>C (p.Asp741=)

Gene: TOP2B (DNA topoisomerase II beta; minus strand). Cytogenetic location: 3p24.2.
Variant type: single nucleotide variant.
Coding change: c.2223T>C on transcript NM_001330700.2 (MANE Select); coding-DNA position 2223, T replaced by C.
Protein change: p.Asp741=; no amino-acid change (aspartic acid 741 retained).
Molecular consequence: synonymous variant.
Genome position (GRCh38, 1-based): chr3:25,626,561, A>G on the plus strand (T>C on the coding strand, the complement: TOP2B is on the minus strand). VCF-style: chr3-25626561-A-G. GRCh37 (hg19) VCF-style: chr3-25668052-A-G.
Other names: c.2208T>C, p.Asp736= (NM_001068.3).
Identifiers: ClinVar variation 4694912 (VCV004694912.1).

ClinVar aggregate classification (germline): Uncertain significance (1 of 4 stars; one submission).

gnomAD v4.1: 10 of 1,472,248 alleles (0.00068%); highest among the groups gnomAD compares: Non-Finnish European, 0.00091%; no homozygotes.

Submission:

Labcorp Genetics (formerly Invitae), Labcorp
Classification: Uncertain significance. Last evaluated: 2025-11-23. Review status: criteria provided, single submitter. Criteria: Invitae Variant Classification Sherloc (09022015). Collection method: clinical testing. Allele origin: germline.
Comment: This sequence change affects codon 736 of the TOP2B mRNA. It is a 'silent' change, meaning that it does not change the encoded amino acid sequence of the TOP2B protein. It affects a nucleotide within the consensus splice site. The frequency data for this variant in the population databases is considered unreliable, as metrics indicate poor data quality at this position in the gnomAD database. This variant has not been reported in the literature in individuals affected with TOP2B-related conditions. Algorithms developed to predict the effect of sequence changes on RNA splicing suggest that this variant is not likely to affect RNA splicing. In summary, the available evidence is currently insufficient to determine the role of this variant in disease. Therefore, it has been classified as a Variant of Uncertain Significance.